The following is an entry in ClinVar:

NM_025132.4(WDR19):c.1982+6C>T

Gene: WDR19 (WD repeat domain 19; plus strand). Cytogenetic location: 4p14.
Variant type: single nucleotide variant.
Coding change: c.1982+6C>T on transcript NM_025132.4 (MANE Select); 6 bases into the intron after coding-DNA position 1982, C replaced by T.
Molecular consequence: intron variant.
Genome position (GRCh38, 1-based): chr4:39,228,696, C>T. VCF-style: chr4-39228696-C-T. GRCh37 (hg19) VCF-style: chr4-39230316-C-T.
Other names: c.1502+6C>T (NM_001317924.2).
Identifiers: ClinVar variation 857979 (VCV000857979.5), dbSNP rs745860100, ClinGen allele CA2891976.

ClinVar aggregate classification (germline): Uncertain significance (1 of 4 stars; one submission).

Conditions:
Asphyxiating thoracic dystrophy 5 (SRTD5). Also called: SHORT-RIB THORACIC DYSPLASIA 5 WITH OR WITHOUT POLYDACTYLY; SHORT-RIB THORACIC DYSPLASIA 5 WITHOUT POLYDACTYLY. Identifiers: Orphanet 474, MedGen C3280598, MONDO:0013717, OMIM 614376.
Senior-Loken syndrome 8 (SLSN8). Identifiers: Orphanet 3156, MedGen C4225376, MONDO:0014579, OMIM 616307.

Allele frequency attached by ClinVar (database versions not stated): gnomAD 0.00002; gnomAD exomes 0.00003 and 0.00009; TOPMed 0.00006; ExAC 0.00009.

Submission:

Labcorp Genetics (formerly Invitae), Labcorp
Classification: Uncertain significance for Senior-Loken syndrome 8; Asphyxiating thoracic dystrophy 5. Last evaluated: 2022-12-02. Review status: criteria provided, single submitter. Criteria: Invitae Variant Classification Sherloc (09022015). Collection method: clinical testing. Allele origin: germline.
Comment: In summary, the available evidence is currently insufficient to determine the role of this variant in disease. Therefore, it has been classified as a Variant of Uncertain Significance. Variants that disrupt the consensus splice site are a relatively common cause of aberrant splicing (PMID: 17576681, 9536098). Algorithms developed to predict the effect of sequence changes on RNA splicing suggest that this variant is not likely to affect RNA splicing. ClinVar contains an entry for this variant (Variation ID: 857979). This variant has not been reported in the literature in individuals affected with WDR19-related conditions. This variant is present in population databases (rs745860100, gnomAD 0.1%). This sequence change falls in intron 17 of the WDR19 gene. It does not directly change the encoded amino acid sequence of the WDR19 protein. It affects a nucleotide within the consensus splice site.

Literature cited by the submitters: PubMed 17576681; PubMed 9536098.